The following is an entry in ClinVar:

NM_020442.6(VARS2):c.180T>G (p.Ala60=)

Gene: VARS2 (valyl-tRNA synthetase 2, mitochondrial; plus strand). Cytogenetic location: 6p21.33.
Variant type: single nucleotide variant.
Coding change: c.180T>G on transcript NM_020442.6 (MANE Select); coding-DNA position 180, T replaced by G.
Protein change: p.Ala60=; no amino-acid change (alanine 60 retained).
Molecular consequence: synonymous variant. On other transcripts: intron variant (1).
Genome position (GRCh38, 1-based): chr6:30,915,016, T>G. VCF-style: chr6-30915016-T-G. GRCh37 (hg19) VCF-style: chr6-30882793-T-G.
Other names: c.270T>G, p.Ala90= (NM_001167734.2); c.-219-140T>G (NM_001167733.3).
Identifiers: ClinVar variation 3250736 (VCV003250736.18), dbSNP rs1794060108.

ClinVar aggregate classification (germline): Likely benign (1 of 4 stars; one submission).

Submission:

CeGaT Center for Human Genetics Tuebingen
Classification: Likely benign. Last evaluated: 2024-06-01. Review status: criteria provided, single submitter. Criteria: CeGaT Center For Human Genetics Tuebingen Variant Classification Criteria Version 2. Collection method: clinical testing. Allele origin: germline. Affected: yes. Observed: 1 variant allele.
Comment: VARS2: BP4, BP7